The following is an entry in ClinVar:

ClinVar aggregate classification (germline): Uncertain significance. Review status: criteria provided, multiple submitters, no conflicts (2 of 4 stars). 6 submissions from 6 submitters: Uncertain significance (6). Last evaluated 2025-10-01.

Conditions:
Cardiovascular phenotype. Identifiers: MedGen CN230736.
Desmin-related myofibrillar myopathy (MFM1). Also called: MYOFIBRILLAR MYOPATHY WITH ARRHYTHMOGENIC RIGHT VENTRICULAR CARDIOMYOPATHY; DESMIN-RELATED MYOPATHY WITH ARRHYTHMOGENIC RIGHT VENTRICULAR CARDIOMYOPATHY; Myofibrillar myopathy 1; Desminopathy; Desmin related myopathy (former name); Desmin storage myopathy (former name). Identifiers: Orphanet 363543, Orphanet 98909, MedGen C1832370, MONDO:0011076, OMIM 601419.
Dilated cardiomyopathy 1I (CMD1I). Identifiers: Orphanet 154, MedGen C1858154, MONDO:0011482, OMIM 604765.
Neurogenic scapuloperoneal syndrome, Kaeser type (SCPNK). Also called: KAESER SYNDROME. Identifiers: Orphanet 85146, MedGen C1867005, MONDO:0008407, OMIM 181400.

Allele frequency attached by ClinVar (database versions not stated): gnomAD exomes 0.00001 and 0.00002; ExAC 0.00002; gnomAD 0.00002 and 0.00003; TOPMed 0.00002; ESP Exome Variant Server 0.00015; 1000 Genomes Project 30x 0.00016; 1000 Genomes Project 0.00020.
gnomAD v4.1: 13 of 1,614,174 alleles (0.00081%); highest among the groups gnomAD compares: African/African-American, 0.008%; no homozygotes.

Submissions (6):

Labcorp Genetics (formerly Invitae), Labcorp
Classification: Uncertain significance for Desmin-related myofibrillar myopathy. Last evaluated: 2025-10-01. Review status: criteria provided, single submitter. Criteria: Invitae Variant Classification Sherloc (09022015). Collection method: clinical testing. Allele origin: germline.
Comment: This sequence change replaces arginine, which is basic and polar, with histidine, which is basic and polar, at codon 227 of the DES protein (p.Arg227His). This variant is present in population databases (rs141486420, gnomAD 0.02%). This variant has not been reported in the literature in individuals affected with DES-related conditions. ClinVar contains an entry for this variant (Variation ID: 201700). Invitae Evidence Modeling of protein sequence and biophysical properties (such as structural, functional, and spatial information, amino acid conservation, physicochemical variation, residue mobility, and thermodynamic stability) has been performed for this missense variant. However, the output from this modeling did not meet the statistical confidence thresholds required to predict the impact of this variant on DES protein function. In summary, the available evidence is currently insufficient to determine the role of this variant in disease. Therefore, it has been classified as a Variant of Uncertain Significance.

GeneDx
Classification: Uncertain significance. Last evaluated: 2025-02-19. Review status: criteria provided, single submitter. Criteria: GeneDx Variant Classification Process June 2021. Collection method: clinical testing. Allele origin: germline. Affected: yes.
Comment: In silico analysis supports that this missense variant has a deleterious effect on protein structure/function; Has not been previously published as pathogenic or benign to our knowledge

Mayo Clinic Laboratories, Mayo Clinic
Classification: Uncertain significance. Last evaluated: 2022-08-24. Review status: criteria provided, single submitter. Criteria: ACMG Guidelines, 2015. Collection method: clinical testing. Allele origin: germline. Observed: 1 variant allele.

Ambry Genetics
Classification: Uncertain significance for Cardiovascular phenotype. Last evaluated: 2022-07-11. Review status: criteria provided, single submitter. Criteria: Ambry Variant Classification Scheme 2023. Collection method: clinical testing. Allele origin: germline.
Comment: The p.R227H variant (also known as c.680G>A), located in coding exon 3 of the DES gene, results from a G to A substitution at nucleotide position 680. The arginine at codon 227 is replaced by histidine, an amino acid with highly similar properties. This alteration has been reported among other variants in the exome sequencing data in a subject with late-infantile neuronal ceroid lipofuscinosis (Pati&ntilde;o LC et al. PLoS One, 2014 Oct;9:e109576). This amino acid position is highly conserved in available vertebrate species. In addition, the in silico prediction for this alteration is inconclusive. Since supporting evidence is limited at this time, the clinical significance of this alteration remains unclear.

Fulgent Genetics
Classification: Uncertain significance for Neurogenic scapuloperoneal syndrome, Kaeser type; Desmin-related myofibrillar myopathy; Dilated cardiomyopathy 1I. Last evaluated: 2021-10-17. Review status: criteria provided, single submitter. Criteria: ACMG Guidelines, 2015. Collection method: clinical testing. Allele origin: unknown.

Eurofins Ntd Llc (ga)
Classification: Uncertain significance. Last evaluated: 2017-11-17. Review status: criteria provided, single submitter. Criteria: EGL Classification Definitions 2015. Collection method: clinical testing. Allele origin: germline. Observed: 1 variant allele, 1 heterozygote.

Literature cited by the submitters: PubMed 25333361 (cited by Ambry Genetics).

NM_001927.4(DES):c.680G>A (p.Arg227His)

Gene: DES (desmin; plus strand). Cytogenetic location: 2q35.
Variant type: single nucleotide variant.
Coding change: c.680G>A on transcript NM_001927.4 (MANE Select); coding-DNA position 680, G replaced by A.
Protein change: p.Arg227His; replaces arginine 227 with histidine.
Molecular consequence: missense variant.
Genome position (GRCh38, 1-based): chr2:219,420,291, G>A. VCF-style: chr2-219420291-G-A. GRCh37 (hg19) VCF-style: chr2-220285013-G-A.
Other names: p.R227H:CGC>CAC; p.Arg227His; c.680G>A (LRG_380t1); short protein forms R227H.
Identifiers: ClinVar variation 201700 (VCV000201700.17), dbSNP rs141486420, ClinGen allele CA308254.
Genomic context (GRCh38, chr2:219,420,291, plus strand): 5'-TCTCGCTTGGCCTCTCCCAGGACGTGGATGCAGCTACTCTAGCTCGCATTGACCTGGAGC[G>A]CAGAATTGAATCTCTCAACGAGGAGATCGCGTTCCTTAAGAAAGTGCATGAAGAGGTATA-3'
Protein context (NP_001918.3, residues 217-237): AATLARIDLE[Arg227His]RIESLNEEIA